The following is an entry in ClinVar:

NM_133433.4(NIPBL):c.250G>A (p.Gly84Ser)

Gene: NIPBL (NIPBL cohesin loading factor; plus strand). Cytogenetic location: 5p13.2.
Variant type: single nucleotide variant.
Coding change: c.250G>A on transcript NM_133433.4 (MANE Select); coding-DNA position 250, G replaced by A.
Protein change: p.Gly84Ser; replaces glycine 84 with serine.
Molecular consequence: missense variant.
Genome position (GRCh38, 1-based): chr5:36,958,123, G>A. VCF-style: chr5-36958123-G-A. GRCh37 (hg19) VCF-style: chr5-36958225-G-A.
Other names: c.250G>A, p.Gly84Ser (NM_015384.5); short protein forms G84S.
Identifiers: ClinVar variation 2159728 (VCV002159728.4), dbSNP rs369249480, ClinGen allele CA3235770.

ClinVar aggregate classification (germline): Uncertain significance (1 of 4 stars; one submission).

Conditions:
Cornelia de Lange syndrome 1 (CDLS1). Also called: TYPUS DEGENERATIVUS AMSTELODAMENSIS; Brachmann de Lange syndrome; NIPBL-Related Cornelia de Lange Syndrome. Identifiers: Orphanet 199, MedGen C4551851, MONDO:0007387, OMIM 122470.

Allele frequency attached by ClinVar (database versions not stated): ExAC 0.00002; gnomAD 0.00002; TOPMed 0.00002; gnomAD exomes 0.00003; ESP Exome Variant Server 0.00008.
gnomAD v4.1: 42 of 1,613,812 alleles (0.0026%); highest among the groups gnomAD compares: Non-Finnish European, 0.0035%; no homozygotes.

Submission:

Labcorp Genetics (formerly Invitae), Labcorp
Classification: Uncertain significance for Cornelia de Lange syndrome 1. Last evaluated: 2025-08-10. Review status: criteria provided, single submitter. Criteria: Invitae Variant Classification Sherloc (09022015). Collection method: clinical testing. Allele origin: germline.
Comment: This sequence change replaces glycine, which is neutral and non-polar, with serine, which is neutral and polar, at codon 84 of the NIPBL protein (p.Gly84Ser). This variant is present in population databases (rs369249480, gnomAD 0.005%). This variant has not been reported in the literature in individuals affected with NIPBL-related conditions. ClinVar contains an entry for this variant (Variation ID: 2159728). Invitae Evidence Modeling of protein sequence and biophysical properties (such as structural, functional, and spatial information, amino acid conservation, physicochemical variation, residue mobility, and thermodynamic stability) has been performed for this missense variant. However, the output from this modeling did not meet the statistical confidence thresholds required to predict the impact of this variant on NIPBL protein function. In summary, the available evidence is currently insufficient to determine the role of this variant in disease. Therefore, it has been classified as a Variant of Uncertain Significance.